The following is an entry in ClinVar:

ClinVar aggregate classification (germline): Uncertain significance (1 of 4 stars; one submission).

Submission:

Ambry Genetics
Classification: Uncertain significance. Last evaluated: 2025-02-14. Review status: criteria provided, single submitter. Criteria: Ambry Variant Classification Scheme 2023. Collection method: clinical testing. Allele origin: germline.
Comment: The p.K62E variant (also known as c.184A>G), located in coding exon 3 of the RINT1 gene, results from an A to G substitution at nucleotide position 184. The lysine at codon 62 is replaced by glutamic acid, an amino acid with similar properties. This amino acid position is conserved. In addition, this alteration is predicted to be tolerated by in silico analysis. Based on the available evidence, the clinical significance of this variant remains unclear.

NM_021930.6(RINT1):c.184A>G (p.Lys62Glu)

Gene: RINT1 (RAD50 interactor 1; plus strand). Cytogenetic location: 7q22.3.
Variant type: single nucleotide variant.
Coding change: c.184A>G on transcript NM_021930.6 (MANE Select); coding-DNA position 184, A replaced by G.
Protein change: p.Lys62Glu; replaces lysine 62 with glutamic acid.
Molecular consequence: missense variant. On other transcripts: 5 prime UTR variant (3), non-coding transcript variant (1), intron variant (1).
Genome position (GRCh38, 1-based): chr7:105,536,660, A>G. VCF-style: chr7-105536660-A-G. GRCh37 (hg19) VCF-style: chr7-105177107-A-G.
Other names: c.-836A>G (NM_001346600.2); c.-739A>G (NM_001346601.2); c.-359A>G (NM_001346603.2); c.39+48A>G (NM_001346599.2); short protein forms K62E.
Identifiers: ClinVar variation 3789199 (VCV003789199.1).